The following is an entry in ClinVar:

ClinVar aggregate classification (germline): Conflicting classifications of pathogenicity. Review status: criteria provided, conflicting classifications (1 of 4 stars). 5 submissions from 5 submitters: Uncertain significance (1); Likely benign (3). 1 of the submissions does not count toward it. Last evaluated 2026-07-01.

Conditions:
SKIC3-related disorder. Also called: SKIC3-related condition.

Allele frequency attached by ClinVar (database versions not stated): 1000 Genomes Project 30x 0.00047; 1000 Genomes Project 0.00060; gnomAD exomes 0.00163 and 0.00329; ExAC 0.00167; TOPMed 0.00174; gnomAD 0.00194 and 0.00200; ESP Exome Variant Server 0.00208.
gnomAD v4.1: 5,071 of 1,613,792 alleles (0.31%); highest among the groups gnomAD compares: Non-Finnish European, 0.4%; 17 homozygotes.

Submissions (5):

CeGaT Center for Human Genetics Tuebingen
Classification: Likely benign. Last evaluated: 2026-07-01. Review status: criteria provided, single submitter. Criteria: CeGaT Center For Human Genetics Tuebingen Variant Classification Criteria Version 2. Collection method: clinical testing. Allele origin: germline. Affected: yes. Observed: 12 variant alleles.
Comment: SKIC3: BS2

Labcorp Genetics (formerly Invitae), Labcorp
Classification: Likely benign. Last evaluated: 2026-02-01. Review status: criteria provided, single submitter. Criteria: Invitae Variant Classification Sherloc (09022015). Collection method: clinical testing. Allele origin: germline.

ARUP Laboratories, Molecular Genetics and Genomics, ARUP Laboratories
Classification: Likely benign. Last evaluated: 2024-08-26. Review status: criteria provided, single submitter. Criteria: ARUP Molecular Germline Variant Investigation Process 2024. Collection method: clinical testing. Allele origin: germline.

Eurofins Ntd Llc (ga)
Classification: Uncertain significance. Last evaluated: 2015-08-14. Review status: criteria provided, single submitter. Criteria: EGL Classification Definitions 2015. Collection method: clinical testing. Allele origin: germline. Observed: 1 variant allele, 1 heterozygote.

PreventionGenetics, part of Exact Sciences
Classification: Likely benign for SKIC3-related condition. Last evaluated: 2022-12-14. Review status: no assertion criteria provided. Collection method: clinical testing. Allele origin: germline. Not counted in ClinVar's aggregate classification.
Comment: This variant is classified as likely benign based on ACMG/AMP sequence variant interpretation guidelines (Richards et al. 2015 PMID: 25741868, with internal and published modifications).

NM_014639.4(SKIC3):c.3207G>C (p.Glu1069Asp)

Gene: SKIC3 (SKI3 subunit of superkiller complex; minus strand). Cytogenetic location: 5q15.
Variant type: single nucleotide variant.
Coding change: c.3207G>C on transcript NM_014639.4 (MANE Select); coding-DNA position 3207, G replaced by C.
Protein change: p.Glu1069Asp; replaces glutamic acid 1069 with aspartic acid.
Molecular consequence: missense variant.
Genome position (GRCh38, 1-based): chr5:95,503,824, C>G on the plus strand (G>C on the coding strand, the complement: SKIC3 is on the minus strand). VCF-style: chr5-95503824-C-G. GRCh37 (hg19) VCF-style: chr5-94839528-C-G.
Other names: short protein forms E1069D.
Identifiers: ClinVar variation 282066 (VCV000282066.32), dbSNP rs143346257, ClinGen allele CA3346818.